The following is an entry in ClinVar:

ClinVar aggregate classification (germline): Uncertain significance. Review status: criteria provided, single submitter (1 of 4 stars). 2 submissions from 2 submitters: Uncertain significance (1). 1 of the submissions does not count toward it. Last evaluated 2023-11-11.

Conditions:
Hereditary cancer-predisposing syndrome. Also called: Hereditary neoplastic syndrome; Neoplastic Syndromes, Hereditary; Tumor predisposition; Hereditary Cancer Syndrome. Identifiers: Orphanet 140162, MedGen C0027672, MeSH D009386, MONDO:0015356.

Allele frequency attached by ClinVar (database versions not stated): gnomAD exomes below 0.00001.
gnomAD v4.1: 1 of 1,613,596 alleles (0.000062%); highest among the groups gnomAD compares: East Asian, 0.0022%; no homozygotes.

Submissions (2):

Ambry Genetics
Classification: Uncertain significance for Hereditary cancer-predisposing syndrome. Last evaluated: 2023-11-11. Review status: criteria provided, single submitter. Criteria: Ambry Variant Classification Scheme 2023. Collection method: clinical testing. Allele origin: germline.
Comment: The p.I84N variant (also known as c.251T>A), located in coding exon 4 of the PALB2 gene, results from a T to A substitution at nucleotide position 251. The isoleucine at codon 84 is replaced by asparagine, an amino acid with dissimilar properties. This amino acid position is not well-conserved in available vertebrate species. In addition, this alteration is predicted to be tolerated by in silico analysis. Since supporting evidence is limited at this time, the clinical significance of this alteration remains unclear.

Leiden Open Variation Database
Classification: Uncertain significance. Last evaluated: 2018-08-25. Review status: no assertion criteria provided. Collection method: curation. Allele origin: germline. Affected: yes. Not counted in ClinVar's aggregate classification.
Comment: Curators: Marc Tischkowitz, Arleen D. Auerbach. Submitter to LOVD: Yukihide Momozawa.

Literature cited by the submitters: PubMed 30287823 (cited by Leiden Open Variation Database).

NM_024675.4(PALB2):c.251T>A (p.Ile84Asn)

Gene: PALB2 (partner and localizer of BRCA2; minus strand). Cytogenetic location: 16p12.2.
Variant type: single nucleotide variant.
Coding change: c.251T>A on transcript NM_024675.4 (MANE Select); coding-DNA position 251, T replaced by A.
Protein change: p.Ile84Asn; replaces isoleucine 84 with asparagine.
Molecular consequence: missense variant.
Genome position (GRCh38, 1-based): chr16:23,636,295, A>T on the plus strand (T>A on the coding strand, the complement: PALB2 is on the minus strand). VCF-style: chr16-23636295-A-T. GRCh37 (hg19) VCF-style: chr16-23647616-A-T.
Other names: short protein forms I84N.
Identifiers: ClinVar variation 830097 (VCV000830097.2), dbSNP rs1967059657, ClinGen allele CA395138905.